The following is an entry in ClinVar:

ClinVar aggregate classification (germline): Conflicting classifications of pathogenicity. Review status: criteria provided, conflicting classifications (1 of 4 stars). 5 submissions from 5 submitters: Uncertain significance (2); Likely benign (2). 1 of the submissions does not count toward it. Last evaluated 2024-12-26.

Conditions:
Familial ovarian cancer. Identifiers: MedGen C5679802, MONDO:0016248.
Peutz-Jeghers syndrome (PJS). Also called: POLYPOSIS, HAMARTOMATOUS INTESTINAL; POLYPS-AND-SPOTS SYNDROME; Peutz-Jeghers polyposis; Periorificial lentiginosis syndrome. Identifiers: Orphanet 2869, MedGen C0031269, MeSH D010580, MONDO:0008280, OMIM 175200.
Hereditary cancer-predisposing syndrome. Also called: Neoplastic Syndromes, Hereditary; Tumor predisposition; Hereditary neoplastic syndrome; Hereditary Cancer Syndrome. Identifiers: Orphanet 140162, MedGen C0027672, MeSH D009386, MONDO:0015356.

Allele frequency attached by ClinVar (database versions not stated): gnomAD exomes below 0.00001; gnomAD 0.00001.
gnomAD v4.1: 2 of 1,611,206 alleles (0.00012%); highest among the groups gnomAD compares: Non-Finnish European, 0.00017%; no homozygotes.

Submissions (5):

Labcorp Genetics (formerly Invitae), Labcorp
Classification: Likely benign for Peutz-Jeghers syndrome. Last evaluated: 2024-12-26. Review status: criteria provided, single submitter. Criteria: Invitae Variant Classification Sherloc (09022015). Collection method: clinical testing. Allele origin: germline.

Ambry Genetics
Classification: Likely benign for Hereditary cancer-predisposing syndrome. Last evaluated: 2024-01-16. Review status: criteria provided, single submitter. Criteria: Ambry Variant Classification Scheme 2023. Collection method: clinical testing. Allele origin: germline.

Genome-Nilou Lab
Classification: Uncertain significance for Peutz-Jeghers syndrome. Last evaluated: 2021-07-15. Review status: criteria provided, single submitter. Criteria: ACMG Guidelines, 2015. Collection method: clinical testing. Allele origin: germline. Affected: no.

Color Diagnostics, LLC DBA Color Health
Classification: Uncertain significance for Hereditary cancer-predisposing syndrome. Last evaluated: 2019-03-14. Review status: criteria provided, single submitter. Criteria: ACMG Guidelines, 2015. Collection method: clinical testing. Allele origin: germline.

Department of Pathology and Laboratory Medicine, Sinai Health System
Classification: Uncertain significance for Familial ovarian cancer. Review status: no assertion criteria provided. Collection method: clinical testing. Allele origin: unknown. Affected: yes. Study: The Canadian Open Genetics Repository (COGR). Not counted in ClinVar's aggregate classification.
Comment: The STK11 p.Gln382Arg variant was not identified in the literature nor was it identified in the LOVD-3.0 database. The variant was identified in dbSNP (ID: rs985937027) as â€šÃ„ÃºNAâ€šÃ„Ã¹ and Clinvar (classified as uncertain significance by Invitae). The variant was identified in control databases in 1 of 30914 chromosomes at a frequency of 0.00003 (Genome Aggregation Database Feb 27, 2017); it was observed in the following European Non-Finnish population in 1 of 14982 chromosomes (freq: 0.00007), while it was not observed in the African, Other, Latino, Ashkenazi Jewish, East Asian, European Finnish, or South Asian populations. The p.Gln382 residue is conserved in mammals and four out of five computational analyses (PolyPhen-2, SIFT, AlignGVGD, BLOSUM, MutationTaster) do not suggest a high likelihood that the Arg variant impacts the protein; this information is not very predictive of pathogenicity. The variant occurs outside of the splicing consensus sequence and in silico or computational prediction software programs (SpliceSiteFinder, MaxEntScan, NNSPLICE, GeneSplicer) do not predict a difference in splicing. In summary, based on the above information, the clinical significance of this variant cannot be determined with certainty at this time. This variant is classified as a variant of uncertain significance.

NM_000455.5(STK11):c.1145A>G (p.Gln382Arg)

Gene: STK11 (serine/threonine kinase 11; plus strand). Cytogenetic location: 19p13.3.
Variant type: single nucleotide variant.
Coding change: c.1145A>G on transcript NM_000455.5 (MANE Select); coding-DNA position 1145, A replaced by G.
Protein change: p.Gln382Arg; replaces glutamine 382 with arginine.
Molecular consequence: missense variant.
Genome position (GRCh38, 1-based): chr19:1,226,490, A>G. VCF-style: chr19-1226490-A-G. GRCh37 (hg19) VCF-style: chr19-1226489-A-G.
Other names: short protein forms Q382R.
Identifiers: ClinVar variation 527810 (VCV000527810.20), dbSNP rs985937027, ClinGen allele CA304033496.